The following is an entry in ClinVar:

ClinVar aggregate classification (germline): Uncertain significance (1 of 4 stars; one submission).

Allele frequency attached by ClinVar (database versions not stated): gnomAD exomes below 0.00001; ExAC 0.00001; gnomAD 0.00001; ESP Exome Variant Server 0.00008.

Submission:

GeneDx
Classification: Uncertain significance. Last evaluated: 2022-01-06. Review status: criteria provided, single submitter. Criteria: GeneDx Variant Classification Process June 2021. Collection method: clinical testing. Allele origin: germline. Affected: yes.
Comment: Not observed at significant frequency in large population cohorts (gnomAD); In silico analysis supports that this missense variant has a deleterious effect on protein structure/function; Has not been previously published as pathogenic or benign to our knowledge

NM_006922.4(SCN3A):c.4331T>C (p.Met1444Thr)

Gene: SCN3A (sodium voltage-gated channel alpha subunit 3; minus strand). Cytogenetic location: 2q24.3.
Variant type: single nucleotide variant.
Coding change: c.4331T>C on transcript NM_006922.4 (MANE Select); coding-DNA position 4331, T replaced by C.
Protein change: p.Met1444Thr; replaces methionine 1444 with threonine.
Molecular consequence: missense variant.
Genome position (GRCh38, 1-based): chr2:165,095,611, A>G on the plus strand (T>C on the coding strand, the complement: SCN3A is on the minus strand). VCF-style: chr2-165095611-A-G. GRCh37 (hg19) VCF-style: chr2-165952121-A-G.
Other names: c.4184T>C, p.Met1395Thr (NM_001081676.2, NM_001081677.2); short protein forms M1395T, M1444T.
Identifiers: ClinVar variation 1695648 (VCV001695648.2), dbSNP rs371715608, ClinGen allele CA1938586.